The following is an entry in ClinVar:

NM_000263.4(NAGLU):c.849G>A (p.Pro283=)

Gene: NAGLU (N-acetyl-alpha-glucosaminidase; plus strand). Cytogenetic location: 17q21.2.
Variant type: single nucleotide variant.
Coding change: c.849G>A on transcript NM_000263.4 (MANE Select); coding-DNA position 849, G replaced by A.
Protein change: p.Pro283=; no amino-acid change (proline 283 retained).
Molecular consequence: synonymous variant.
Genome position (GRCh38, 1-based): chr17:42,541,034, G>A. VCF-style: chr17-42541034-G-A. GRCh37 (hg19) VCF-style: chr17-40693052-G-A.
Identifiers: ClinVar variation 2139346 (VCV002139346.4), dbSNP rs201374620, ClinGen allele CA8576889.

ClinVar aggregate classification (germline): Uncertain significance. Review status: criteria provided, multiple submitters, no conflicts (2 of 4 stars). 2 submissions from 2 submitters: Uncertain significance (2). Last evaluated 2024-09-10.

Conditions:
Mucopolysaccharidosis, MPS-III-B (MPS3B). Also called: Mucopolysaccharidosis type IIIB (Sanfilippo B); MPS IIIB (Sanfilippo Syndrome Type B); N-ACETYL-ALPHA-D-GLUCOSAMINIDASE DEFICIENCY; NAGLU DEFICIENCY; MUCOPOLYSACCHARIDOSIS, TYPE IIIB; SANFILIPPO SYNDROME B. Identifiers: Orphanet 79270, MedGen C0086648, MONDO:0009656, OMIM 252920.
Charcot-Marie-Tooth disease axonal type 2V. Also called: CHARCOT-MARIE-TOOTH NEUROPATHY, TYPE 2V; CHARCOT-MARIE-TOOTH DISEASE, AXONAL, AUTOSOMAL DOMINANT, TYPE 2V. Identifiers: Orphanet 447964, MedGen C5569050, MONDO:0014665, OMIM 616491.

Allele frequency attached by ClinVar (database versions not stated): ExAC 0.00001; gnomAD exomes 0.00001; gnomAD 0.00003; 1000 Genomes Project 30x 0.00016; 1000 Genomes Project 0.00020.
gnomAD v4.1: 14 of 1,614,164 alleles (0.00087%); highest among the groups gnomAD compares: East Asian, 0.0022%; no homozygotes.

Submissions (2):

Labcorp Genetics (formerly Invitae), Labcorp
Classification: Uncertain significance for Charcot-Marie-Tooth disease axonal type 2V; Mucopolysaccharidosis, MPS-III-B. Last evaluated: 2024-09-10. Review status: criteria provided, single submitter. Criteria: Invitae Variant Classification Sherloc (09022015). Collection method: clinical testing. Allele origin: germline.
Comment: This sequence change affects codon 283 of the NAGLU mRNA. It is a 'silent' change, meaning that it does not change the encoded amino acid sequence of the NAGLU protein. This variant is present in population databases (rs201374620, gnomAD 0.002%). This variant has not been reported in the literature in individuals affected with NAGLU-related conditions. ClinVar contains an entry for this variant (Variation ID: 2139346). Algorithms developed to predict the effect of sequence changes on RNA splicing suggest that this variant may disrupt the consensus splice site. In summary, the available evidence is currently insufficient to determine the role of this variant in disease. Therefore, it has been classified as a Variant of Uncertain Significance.

Juno Genomics, Hangzhou Juno Genomics, Inc
Classification: Uncertain significance for Charcot-Marie-Tooth disease axonal type 2V; Mucopolysaccharidosis, MPS-III-B. Review status: criteria provided, single submitter. Criteria: ACMG Guidelines, 2015. Collection method: clinical testing. Allele origin: germline.
Comment: Absent from controls (or at extremely low frequency if recessive) in Genome Aggregation Database.;Multiple lines of computational evidence support a deleterious effect on the gene or gene product.